The following is an entry in ClinVar:

ClinVar aggregate classification (germline): Uncertain significance. Review status: criteria provided, multiple submitters, no conflicts (2 of 4 stars). 4 submissions from 4 submitters: Uncertain significance (3). 1 of the submissions does not count toward it. Last evaluated 2025-12-14.

Conditions:
Hereditary cancer-predisposing syndrome. Also called: Neoplastic Syndromes, Hereditary; Hereditary Cancer Syndrome; Hereditary neoplastic syndrome; Tumor predisposition. Identifiers: Orphanet 140162, MedGen C0027672, MeSH D009386, MONDO:0015356.

Submissions (4):

Labcorp Genetics (formerly Invitae), Labcorp
Classification: Uncertain significance. Last evaluated: 2025-12-14. Review status: criteria provided, single submitter. Criteria: Invitae Variant Classification Sherloc (09022015). Collection method: clinical testing. Allele origin: germline.
Comment: This sequence change replaces aspartic acid, which is acidic and polar, with glutamic acid, which is acidic and polar, at codon 1066 of the POLE protein (p.Asp1066Glu). This variant is not present in population databases (gnomAD no frequency). This variant has not been reported in the literature in individuals affected with POLE-related conditions. ClinVar contains an entry for this variant (Variation ID: 540787). Invitae Evidence Modeling of protein sequence and biophysical properties (such as structural, functional, and spatial information, amino acid conservation, physicochemical variation, residue mobility, and thermodynamic stability) indicates that this missense variant is not expected to disrupt POLE protein function with a negative predictive value of 80%. In summary, the available evidence is currently insufficient to determine the role of this variant in disease. Therefore, it has been classified as a Variant of Uncertain Significance.

Ambry Genetics
Classification: Uncertain significance for Hereditary cancer-predisposing syndrome. Last evaluated: 2024-03-07. Review status: criteria provided, single submitter. Criteria: Ambry Variant Classification Scheme 2023. Collection method: clinical testing. Allele origin: germline.
Comment: The p.D1066E variant (also known as c.3198C>A), located in coding exon 26 of the POLE gene, results from a C to A substitution at nucleotide position 3198. The aspartic acid at codon 1066 is replaced by glutamic acid, an amino acid with highly similar properties. This amino acid position is conserved. In addition, this alteration is predicted to be tolerated by in silico analysis. Since supporting evidence is limited at this time, the clinical significance of this alteration remains unclear.

GeneDx
Classification: Uncertain significance. Last evaluated: 2023-12-09. Review status: criteria provided, single submitter. Criteria: GeneDx Variant Classification Process June 2021. Collection method: clinical testing. Allele origin: germline. Affected: yes.
Comment: Not observed at significant frequency in large population cohorts (gnomAD); In silico analysis supports that this missense variant has a deleterious effect on protein structure/function; Has not been previously published as pathogenic or benign to our knowledge

True Health Diagnostics
Classification: Uncertain significance for Hereditary cancer-predisposing syndrome. Last evaluated: 2018-05-25. Review status: no assertion criteria provided. Collection method: clinical testing. Allele origin: germline. Not counted in ClinVar's aggregate classification.

NM_006231.4(POLE):c.3198C>A (p.Asp1066Glu)

Gene: POLE (DNA polymerase epsilon, catalytic subunit; minus strand). Cytogenetic location: 12q24.33.
Variant type: single nucleotide variant.
Coding change: c.3198C>A on transcript NM_006231.4 (MANE Select); coding-DNA position 3198, C replaced by A.
Protein change: p.Asp1066Glu; replaces aspartic acid 1066 with glutamic acid.
Molecular consequence: missense variant.
Genome position (GRCh38, 1-based): chr12:132,659,372, G>T on the plus strand (C>A on the coding strand, the complement: POLE is on the minus strand). VCF-style: chr12-132659372-G-T. GRCh37 (hg19) VCF-style: chr12-133235958-G-T.
Other names: short protein forms D1066E.
Identifiers: ClinVar variation 540787 (VCV000540787.12), dbSNP rs1555225663, ClinGen allele CA387390586.